The following is an entry in ClinVar:

ClinVar aggregate classification (germline): Uncertain significance (1 of 4 stars; one submission).

Conditions:
MELAS syndrome (MELAS). Also called: Juvenile myopathy, encephalopathy, lactic acidosis, stroke. Identifiers: Orphanet 550, MedGen C0162671, MONDO:0010789, OMIM 540000.

Submission:

Wong Mito Lab, Molecular and Human Genetics, Baylor College of Medicine
Classification: Uncertain significance for MELAS syndrome. Last evaluated: 2019-07-12. Review status: criteria provided, single submitter. Criteria: Modified ACMG Guidelines (Unpublished). Collection method: clinical testing. Allele origin: germline.
Comment: The NC_012920.1:m.12144A>G variant in MT-TH gene is interpreted to be a Unknown Significance variant based on the modified ACMG guidelines (unpublished). This variant meets the following evidence codes reported in the guidelines: PP3, BP6

Literature cited by the submitters: PubMed 31965079.

NC_012920.1(MT-TH):m.12144A>G

Gene: MT-TH (mitochondrially encoded tRNA histidine; plus strand).
Variant type: single nucleotide variant.
Genome position: chrM-12144-A-G.
Identifiers: ClinVar variation 690132 (VCV000690132.1), dbSNP rs1603223569, ClinGen allele CA913169485.
Genomic context (GRCh38, chrMT:12,144, plus strand): 5'-CCCCCATTCTCCTCCTATCCCTCAACCCCGACATCATTACCGGGTTTTCCTCTTGTAAAT[A>G]TAGTTTAACCAAAACATCAGATTGTGAATCTGACAACAGAGGCTTACGACCCCTTATTTA-3'